The following is an entry in ClinVar:

ClinVar aggregate classification (germline): not provided (0 of 4 stars; one submission).

Allele frequency attached by ClinVar (database versions not stated): gnomAD 0.00002 and 0.00004; gnomAD exomes 0.00002 and 0.00003; TOPMed 0.00019.
gnomAD v4.1: 24 of 938,506 alleles (0.0026%); highest among the groups gnomAD compares: East Asian, 0.018%; no homozygotes.

Submission:

ITMI
No classification provided. Condition: AllHighlyPenetrant. Last evaluated: 2013-09-19. Review status: no classification provided. Collection method: reference population. Allele origin: germline.
Comment: Please see associated publication for description of ethnicities

Literature cited by the submitters: PubMed 24728327.

NM_017617.5(NOTCH1):c.5167+174G>A

Gene: NOTCH1 (notch receptor 1; minus strand). Cytogenetic location: 9q34.3.
Variant type: single nucleotide variant.
Coding change: c.5167+174G>A on transcript NM_017617.5 (MANE Select); 174 bases into the intron after coding-DNA position 5167, G replaced by A.
Molecular consequence: intron variant.
Genome position (GRCh38, 1-based): chr9:136,503,008, C>T on the plus strand (G>A on the coding strand, the complement: NOTCH1 is on the minus strand). VCF-style: chr9-136503008-C-T. GRCh37 (hg19) VCF-style: chr9-139397460-C-T.
Other names: c.5167+174G>A (LRG_1122t1).
Identifiers: ClinVar variation 133360 (VCV000133360.1), dbSNP rs587777957, ClinGen allele CA156450.
Genomic context (GRCh38, chr9:136,503,008, plus strand): 5'-GCACCCACTTTCCCGTGGCTGGACTCGTTCCCAGGTGGCTCCACCGGCAGCTGTGACCGC[C>T]GCAGGTGGGGGCGGAGTGCCATTCAGAAAATTCCAGAAAAGCCCTACCCCAACTCGGACG-3'